The following is an entry in ClinVar:

NM_015047.3(EMC1):c.1540_1541del (p.Gln515fs)

Genes: EMC1 (ER membrane protein complex subunit 1; minus strand), EMC1-AS1 (EMC1 antisense RNA 1; plus strand). Cytogenetic location: 1p36.13.
Variant type: Deletion.
Coding change: c.1540_1541del on transcript NM_015047.3 (MANE Select); coding-DNA positions 1540 to 1541, 2 bases deleted (AG; older notation c.1540_1541delAG).
Protein change: p.Gln515fs; shifts the reading frame from glutamine 515.
Molecular consequence: frameshift variant.
Genome position (GRCh38, 1-based): chr1:19,233,027-19,233,028, CT deleted on the plus strand (AG on the coding strand, the reverse complement: EMC1 is on the minus strand); deleting any 2 consecutive bases within chr1:19,233,027-19,233,029 gives the same sequence; the c. name uses the placement nearest the transcript's 3' end. VCF-style (leftmost placement, unchanged base first): chr1-19233026-ACT-A. GRCh37 (hg19) VCF-style: chr1-19559520-ACT-A.
Other names: c.1537_1538del, p.Gln514fs (NM_001271427.2, NM_001271428.2); c.1474_1475del, p.Gln493fs (NM_001271429.2); c.1549_1550del, p.Gln518fs (NM_001375820.1); c.1546_1547del, p.Gln517fs (NM_001375821.1); short protein forms Q514fs, Q493fs, Q518fs, Q515fs, Q517fs.
Identifiers: ClinVar variation 4719280 (VCV004719280.1).

ClinVar aggregate classification (germline): Pathogenic (1 of 4 stars; one submission).

Submission:

Labcorp Genetics (formerly Invitae), Labcorp
Classification: Pathogenic. Last evaluated: 2025-05-10. Review status: criteria provided, single submitter. Criteria: Invitae Variant Classification Sherloc (09022015). Collection method: clinical testing. Allele origin: germline.
Comment: This sequence change creates a premature translational stop signal (p.Gln515Aspfs*2) in the EMC1 gene. It is expected to result in an absent or disrupted protein product. Loss-of-function variants in EMC1 are known to be pathogenic (PMID: 26572623, 26942288, 29271071). This variant is not present in population databases (gnomAD no frequency). This variant has not been reported in the literature in individuals affected with EMC1-related conditions. For these reasons, this variant has been classified as Pathogenic.

Literature cited by the submitters: PubMed 26572623; PubMed 26942288; PubMed 29271071.